The following is an entry in ClinVar:

ClinVar aggregate classification (germline): Uncertain significance (1 of 4 stars; one submission).

Conditions:
Hereditary sensory and autonomic neuropathy type 7. Also called: Neuropathy, hereditary sensory and autonomic, type VII; HSAN VII. Identifiers: Orphanet 391397, MedGen C3809882, MONDO:0014244, OMIM 615548.
Familial episodic pain syndrome with predominantly lower limb involvement. Also called: Episodic pain syndrome, familial, 3. Identifiers: Orphanet 391384, Orphanet 391392, MedGen C3809899, MONDO:0014247, OMIM 615552.

Allele frequency attached by ClinVar (database versions not stated): ExAC 0.00001.
gnomAD v4.1: 3 of 1,613,728 alleles (0.00019%); highest among the groups gnomAD compares: South Asian, 0.0011%; no homozygotes.

Submission:

Labcorp Genetics (formerly Invitae), Labcorp
Classification: Uncertain significance for Familial episodic pain syndrome with predominantly lower limb involvement; Hereditary sensory and autonomic neuropathy type 7. Last evaluated: 2022-06-21. Review status: criteria provided, single submitter. Criteria: Invitae Variant Classification Sherloc (09022015). Collection method: clinical testing. Allele origin: germline.
Comment: This sequence change replaces arginine, which is basic and polar, with cysteine, which is neutral and slightly polar, at codon 222 of the SCN11A protein (p.Arg222Cys). In summary, the available evidence is currently insufficient to determine the role of this variant in disease. Therefore, it has been classified as a Variant of Uncertain Significance. This variant disrupts the p.Arg222 amino acid residue in SCN11A. Other variant(s) that disrupt this residue have been determined to be pathogenic (PMID: 27224030, 27503742). This suggests that this residue is clinically significant, and that variants that disrupt this residue are likely to be disease-causing. Algorithms developed to predict the effect of missense changes on protein structure and function (SIFT, PolyPhen-2, Align-GVGD) all suggest that this variant is likely to be disruptive. This variant has not been reported in the literature in individuals affected with SCN11A-related conditions. This variant is present in population databases (rs775199760, gnomAD 0.002%).

Literature cited by the submitters: PubMed 27224030; PubMed 27503742.

NM_001349253.2(SCN11A):c.664C>T (p.Arg222Cys)

Gene: SCN11A (sodium voltage-gated channel alpha subunit 11; minus strand). Cytogenetic location: 3p22.2.
Variant type: single nucleotide variant.
Coding change: c.664C>T on transcript NM_001349253.2 (MANE Select); coding-DNA position 664, C replaced by T.
Protein change: p.Arg222Cys; replaces arginine 222 with cysteine.
Molecular consequence: missense variant.
Genome position (GRCh38, 1-based): chr3:38,925,463, G>A on the plus strand (C>T on the coding strand, the complement: SCN11A is on the minus strand). VCF-style: chr3-38925463-G-A. GRCh37 (hg19) VCF-style: chr3-38966954-G-A.
Other names: c.664C>T, p.Arg222Cys (NM_014139.3); short protein forms R222C.
Identifiers: ClinVar variation 2421466 (VCV002421466.6), dbSNP rs775199760, ClinGen allele CA2322550.